The following is an entry in ClinVar:

NM_003238.6(TGFB2):c.*2564A>G

Genes: TGFB2 (transforming growth factor beta 2; plus strand), TGFB2-OT1 (TGFB2 overlapping transcript 1; plus strand). Cytogenetic location: 1q41.
Variant type: single nucleotide variant.
Coding change: c.*2564A>G on transcript NM_003238.6 (MANE Select); 2564 bases downstream of the stop codon, A replaced by G.
Molecular consequence: 3 prime UTR variant. On other transcripts: non-coding transcript variant (3).
Genome position (GRCh38, 1-based): chr1:218,443,926, A>G. VCF-style: chr1-218443926-A-G. GRCh37 (hg19) VCF-style: chr1-218617268-A-G.
Other names: c.*2564A>G (NM_001135599.4).
Identifiers: ClinVar variation 295533 (VCV000295533.6), dbSNP rs77808075, ClinGen allele CA10609995.

ClinVar aggregate classification (germline): Likely benign. Review status: criteria provided, multiple submitters, no conflicts (2 of 4 stars). 2 submissions from 2 submitters: Likely benign (2). Last evaluated 2017-04-27.

Conditions:
Loeys-Dietz syndrome 4 (LDS4). Also called: ANEURYSM, AORTIC AND CEREBRAL, WITH ARTERIAL TORTUOSITY AND SKELETAL MANIFESTATIONS; TGFB2-Related Loeys-Dietz Syndrome. Identifiers: MedGen C3553762, MONDO:0013897, OMIM 614816.

Allele frequency attached by ClinVar (database versions not stated): 1000 Genomes Project 30x 0.00640; 1000 Genomes Project 0.00659; TOPMed 0.00942; gnomAD 0.01063 and 0.01082.

Submissions (2):

Illumina Laboratory Services, Illumina
Classification: Likely benign for Loeys-Dietz syndrome 4. Last evaluated: 2017-04-27. Review status: criteria provided, single submitter. Criteria: ICSL Variant Classification Criteria 13 December 2019. Collection method: clinical testing. Allele origin: germline.
Comment: This variant was observed as part of a predisposition screen in an ostensibly healthy population. A literature search was performed for the gene, cDNA change, and amino acid change (where applicable). No publications were found based on this search. Allele frequency data from public databases allowed determination this variant is unlikely to cause disease. Therefore, this variant is classified as likely benign.

Breakthrough Genomics
Classification: Likely benign. Review status: criteria provided, single submitter. Criteria: ACMG Guidelines, 2015. Collection method: not provided. Allele origin: germline. Inheritance: Autosomal dominant inheritance. Affected: yes.